The following is an entry in ClinVar:

NM_005431.2(XRCC2):c.770C>T (p.Ser257Leu)

Gene: XRCC2 (X-ray repair cross complementing 2; minus strand). Cytogenetic location: 7q36.1.
Variant type: single nucleotide variant.
Coding change: c.770C>T on transcript NM_005431.2 (MANE Select); coding-DNA position 770, C replaced by T.
Protein change: p.Ser257Leu; replaces serine 257 with leucine.
Molecular consequence: missense variant.
Genome position (GRCh38, 1-based): chr7:152,648,715, G>A on the plus strand (C>T on the coding strand, the complement: XRCC2 is on the minus strand). VCF-style: chr7-152648715-G-A. GRCh37 (hg19) VCF-style: chr7-152345800-G-A.
Other names: p.S257L:TCA>TTA; short protein forms S257L.
Identifiers: ClinVar variation 183002 (VCV000183002.13), dbSNP rs730882047, ClinGen allele CA300485.
Genomic context (GRCh38, chr7:152,648,715, plus strand): 5'-ACCCCACTTTCTCCAATAATAAAAAAATGTTTTTTTAAACTGTTACTTTTTAAACAACGT[G>A]AAACTAATGAAAATTGGTTGCTGCTTTGAGAATCATCTTGTTTGGAGAAAAACATCCTGT-3'
Protein context (NP_005422.1, residues 247-267): SQSSNQFSLV[Ser257Leu]RCLKSNSLKK

ClinVar aggregate classification (germline): Uncertain significance. Review status: criteria provided, multiple submitters, no conflicts (2 of 4 stars). 3 submissions from 3 submitters: Uncertain significance (3). Last evaluated 2025-04-28.

Conditions:
Hereditary cancer-predisposing syndrome. Also called: Tumor predisposition; Hereditary Cancer Syndrome; Hereditary neoplastic syndrome; Neoplastic Syndromes, Hereditary. Identifiers: Orphanet 140162, MedGen C0027672, MeSH D009386, MONDO:0015356.

Allele frequency attached by ClinVar (database versions not stated): gnomAD 0.00001 and 0.00002; TOPMed 0.00001.
gnomAD v4.1: 4 of 1,612,752 alleles (0.00025%); highest among the groups gnomAD compares: Admixed American, 0.0017%; no homozygotes.

Submissions (3):

Labcorp Genetics (formerly Invitae), Labcorp
Classification: Uncertain significance. Last evaluated: 2025-04-28. Review status: criteria provided, single submitter. Criteria: Invitae Variant Classification Sherloc (09022015). Collection method: clinical testing. Allele origin: germline.
Comment: This sequence change replaces serine, which is neutral and polar, with leucine, which is neutral and non-polar, at codon 257 of the XRCC2 protein (p.Ser257Leu). This variant is not present in population databases (gnomAD no frequency). This variant has not been reported in the literature in individuals affected with XRCC2-related conditions. ClinVar contains an entry for this variant (Variation ID: 183002). Invitae Evidence Modeling of protein sequence and biophysical properties (such as structural, functional, and spatial information, amino acid conservation, physicochemical variation, residue mobility, and thermodynamic stability) indicates that this missense variant is not expected to disrupt XRCC2 protein function with a negative predictive value of 80%. In summary, the available evidence is currently insufficient to determine the role of this variant in disease. Therefore, it has been classified as a Variant of Uncertain Significance.

Ambry Genetics
Classification: Uncertain significance for Hereditary cancer-predisposing syndrome. Last evaluated: 2023-09-28. Review status: criteria provided, single submitter. Criteria: Ambry Variant Classification Scheme 2023. Collection method: clinical testing. Allele origin: germline.
Comment: The p.S257L variant (also known as c.770C>T), located in coding exon 3 of the XRCC2 gene, results from a C to T substitution at nucleotide position 770. The serine at codon 257 is replaced by leucine, an amino acid with dissimilar properties. This amino acid position is well conserved in available vertebrate species. In addition, this alteration is predicted to be tolerated by in silico analysis. Since supporting evidence is limited at this time, the clinical significance of this alteration remains unclear.

GeneDx
Classification: Uncertain significance. Last evaluated: 2014-10-09. Review status: criteria provided, single submitter. Criteria: GeneDx Variant Classification (06012015). Collection method: clinical testing. Allele origin: germline. Affected: yes.
Comment: This variant is denoted XRCC2 c.770C>T at the cDNA level, p.Ser257Leu (S257L) at the protein level, and results in the change of a Serine to a Leucine (TCA>TTA). This variant has not, to our knowledge, been published in the literature as pathogenic or benign. XRCC2 Ser257Leu was not observed in approximately 6,500 individuals of European and African American ancestry in the NHLBI Exome Sequencing Project, indicating it is not a common benign variant in these populations. Since Serine and Leucine differ in polarity, charge, size or other properties, this is considered a non-conservative amino acid substitution. XRCC2 Ser257Leu occurs at a position that is conserved through mammals and is not located in a known functional domain. In silico analyses are inconsistent regarding the effect this variant may have on protein structure and function. Based on currently available information, it is unclear whether XRCC2 Ser257Leu is pathogenic or benign. We consider it to be a variant of uncertain significance.